The following is an entry in ClinVar:

ClinVar aggregate classification (germline): Uncertain significance. Review status: criteria provided, multiple submitters, no conflicts (2 of 4 stars). 2 submissions from 2 submitters: Uncertain significance (2). Last evaluated 2025-02-26.

Conditions:
Developmental and epileptic encephalopathy, 42 (DEE42A). Also called: Epileptic encephalopathy, early infantile, 42; DEVELOPMENTAL AND EPILEPTIC ENCEPHALOPATHY 42A; EPILEPTIC ENCEPHALOPATHY, EARLY INFANTILE, 42A. Identifiers: MedGen C4310716, MONDO:0014917, OMIM 617106.
Episodic ataxia type 2 (EA2). Also called: CEREBELLAR ATAXIA, PAROXYSMAL, ACETAZOLAMIDE-RESPONSIVE; CEREBELLOPATHY, HEREDITARY PAROXYSMAL; EPISODIC ATAXIA, NYSTAGMUS-ASSOCIATED; ACETAZOLAMIDE-RESPONSIVE HEREDITARY PAROXYSMAL CEREBELLAR ATAXIA; ATAXIA, EPISODIC, WITH NYSTAGMUS; ATAXIA, FAMILIAL PAROXYSMAL. Identifiers: Orphanet 97, MedGen C1720416, MONDO:0007163, OMIM 108500.

Allele frequency attached by ClinVar (database versions not stated): gnomAD 0.00001 and 0.00003; ESP Exome Variant Server 0.00008; gnomAD exomes 0.00001; TOPMed 0.00003; ExAC 0.00003.
gnomAD v4.1: 19 of 1,613,536 alleles (0.0012%); highest among the groups gnomAD compares: African/African-American, 0.0053%; no homozygotes.

Submissions (2):

Dasa
Classification: Uncertain significance. Last evaluated: 2025-02-26. Review status: criteria provided, single submitter. Criteria: DASA Assertion Criteria. Collection method: clinical testing. Allele origin: germline.
Comment: NM_001127222.2(CACNA1A):c.1441C>T (p.Arg481Cys) is a missense variant that results in the substitution of arginine with cysteine. This variant is rare in population databases. Computational prediction algorithms are consistent with a deleterious effect. The currently available literature and clinical evidence are not sufficient to establish a definitive association between this variant and the reported condition. Therefore, this variant is classified as a variant of uncertain significance.

Labcorp Genetics (formerly Invitae), Labcorp
Classification: Uncertain significance for Developmental and epileptic encephalopathy, 42; Episodic ataxia type 2. Last evaluated: 2024-10-23. Review status: criteria provided, single submitter. Criteria: Invitae Variant Classification Sherloc (09022015). Collection method: clinical testing. Allele origin: germline.
Comment: This sequence change replaces arginine, which is basic and polar, with cysteine, which is neutral and slightly polar, at codon 482 of the CACNA1A protein (p.Arg482Cys). This variant is present in population databases (rs377011125, gnomAD 0.003%). This variant has not been reported in the literature in individuals affected with CACNA1A-related conditions. ClinVar contains an entry for this variant (Variation ID: 969433). Invitae Evidence Modeling of protein sequence and biophysical properties (such as structural, functional, and spatial information, amino acid conservation, physicochemical variation, residue mobility, and thermodynamic stability) indicates that this missense variant is expected to disrupt CACNA1A protein function with a positive predictive value of 95%. In summary, the available evidence is currently insufficient to determine the role of this variant in disease. Therefore, it has been classified as a Variant of Uncertain Significance.

NM_001127222.2(CACNA1A):c.1441C>T (p.Arg481Cys)

Gene: CACNA1A (calcium voltage-gated channel subunit alpha1 A; minus strand). Cytogenetic location: 19p13.13.
Variant type: single nucleotide variant.
Coding change: c.1441C>T on transcript NM_001127222.2 (MANE Select); coding-DNA position 1441, C replaced by T.
Protein change: p.Arg481Cys; replaces arginine 481 with cysteine.
Molecular consequence: missense variant.
Genome position (GRCh38, 1-based): chr19:13,317,226, G>A on the plus strand (C>T on the coding strand, the complement: CACNA1A is on the minus strand). VCF-style: chr19-13317226-G-A. GRCh37 (hg19) VCF-style: chr19-13428040-G-A.
Other names: c.1444C>T, p.Arg482Cys (NM_000068.4, NM_001127221.2, NM_001174080.2 and 1 more transcripts); short protein forms R482C, R481C.
Identifiers: ClinVar variation 969433 (VCV000969433.12), dbSNP rs377011125, ClinGen allele CA9240811.